The following is an entry in ClinVar:

NM_001572.5(IRF7):c.317T>A (p.Val106Glu)

Gene: IRF7 (interferon regulatory factor 7; minus strand). Cytogenetic location: 11p15.5.
Variant type: single nucleotide variant.
Coding change: c.317T>A on transcript NM_001572.5 (MANE Select); coding-DNA position 317, T replaced by A.
Protein change: p.Val106Glu; replaces valine 106 with glutamic acid.
Molecular consequence: missense variant.
Genome position (GRCh38, 1-based): chr11:614,874, A>T on the plus strand (T>A on the coding strand, the complement: IRF7 is on the minus strand). VCF-style: chr11-614874-A-T. GRCh37 (hg19) VCF-style: chr11-614874-A-T.
Other names: c.317T>A, p.Val106Glu (LRG_1313t1, NM_004029.4); c.356T>A, p.Val119Glu (NM_004031.4); short protein forms V106E, V119E.
Identifiers: ClinVar variation 565325 (VCV000565325.9), dbSNP rs376350717, ClinGen allele CA5783998.

ClinVar aggregate classification (germline): Uncertain significance (1 of 4 stars; one submission).

Conditions:
Immunodeficiency 39 (IMD39). Identifiers: Orphanet 574918, MedGen C4225358, MONDO:0014597, OMIM 616345.

Allele frequency attached by ClinVar (database versions not stated): gnomAD exomes 0.00012; ExAC 0.00031; ESP Exome Variant Server 0.00031; gnomAD 0.00057 and 0.00062; TOPMed 0.00062; 1000 Genomes Project 0.00100; 1000 Genomes Project 30x 0.00109.
gnomAD v4.1: 145 of 1,578,572 alleles (0.0092%); highest among the groups gnomAD compares: African/African-American, 0.17%; 1 homozygote.

Submission:

Labcorp Genetics (formerly Invitae), Labcorp
Classification: Uncertain significance for Immunodeficiency 39. Last evaluated: 2025-11-04. Review status: criteria provided, single submitter. Criteria: Invitae Variant Classification Sherloc (09022015). Collection method: clinical testing. Allele origin: germline.
Comment: This sequence change replaces valine, which is neutral and non-polar, with glutamic acid, which is acidic and polar, at codon 119 of the IRF7 protein (p.Val119Glu). This variant is present in population databases (rs376350717, gnomAD 0.2%), and has an allele count higher than expected for a pathogenic variant. This variant has not been reported in the literature in individuals affected with IRF7-related conditions. ClinVar contains an entry for this variant (Variation ID: 565325). Invitae Evidence Modeling of protein sequence and biophysical properties (such as structural, functional, and spatial information, amino acid conservation, physicochemical variation, residue mobility, and thermodynamic stability) indicates that this missense variant is not expected to disrupt IRF7 protein function with a negative predictive value of 80%. In summary, the available evidence is currently insufficient to determine the role of this variant in disease. Therefore, it has been classified as a Variant of Uncertain Significance.